The following is an entry in ClinVar:

ClinVar aggregate classification (germline): Uncertain significance. Review status: criteria provided, multiple submitters, no conflicts (2 of 4 stars). 2 submissions from 2 submitters: Uncertain significance (2). Last evaluated 2025-01-22.

Conditions:
Autosomal recessive distal spinal muscular atrophy 1. Also called: SEVERE INFANTILE AXONAL NEUROPATHY WITH RESPIRATORY FAILURE; SPINAL MUSCULAR ATROPHY, DIAPHRAGMATIC; Spinal muscular atrophy with respiratory distress 1; HMN VI; NEURONOPATHY, SEVERE INFANTILE AXONAL, WITH RESPIRATORY FAILURE; NEURONOPATHY, DISTAL HEREDITARY MOTOR, HARDING TYPE VI. Identifiers: Orphanet 98920, MedGen C1858517, MONDO:0011436, OMIM 604320.
Charcot-Marie-Tooth disease axonal type 2S. Also called: CHARCOT-MARIE-TOOTH DISEASE, AXONAL, AUTOSOMAL RECESSIVE, TYPE 2S; CHARCOT-MARIE-TOOTH NEUROPATHY, TYPE 2S. Identifiers: Orphanet 443073, MedGen C4015349, MONDO:0014511, OMIM 616155.

Allele frequency attached by ClinVar (database versions not stated): gnomAD below 0.00001 and 0.00001; TOPMed below 0.00001; ExAC 0.00001; gnomAD exomes 0.00001 and 0.00002.
gnomAD v4.1: 14 of 1,613,772 alleles (0.00087%); highest among the groups gnomAD compares: South Asian, 0.015%; no homozygotes.

Submissions (2):

Revvity Omics, Revvity
Classification: Uncertain significance. Last evaluated: 2025-01-22. Review status: criteria provided, single submitter. Criteria: ACMG Guidelines, 2015. Collection method: clinical testing. Allele origin: germline.

Labcorp Genetics (formerly Invitae), Labcorp
Classification: Uncertain significance for Autosomal recessive distal spinal muscular atrophy 1; Charcot-Marie-Tooth disease axonal type 2S. Last evaluated: 2021-09-02. Review status: criteria provided, single submitter. Criteria: Invitae Variant Classification Sherloc (09022015). Collection method: clinical testing. Allele origin: germline.
Comment: This sequence change replaces asparagine with serine at codon 655 of the IGHMBP2 protein (p.Asn655Ser). The asparagine residue is weakly conserved and there is a small physicochemical difference between asparagine and serine. The frequency data for this variant in the population databases is considered unreliable, as metrics indicate poor data quality at this position in the ExAC database. This variant has not been reported in the literature in individuals affected with IGHMBP2-related conditions. Algorithms developed to predict the effect of missense changes on protein structure and function output the following: SIFT: "Tolerated"; PolyPhen-2: "Benign"; Align-GVGD: "Class C0". The serine amino acid residue is found in multiple mammalian species, which suggests that this missense change does not adversely affect protein function. In summary, the available evidence is currently insufficient to determine the role of this variant in disease. Therefore, it has been classified as a Variant of Uncertain Significance.

NM_002180.3(IGHMBP2):c.1964A>G (p.Asn655Ser)

Gene: IGHMBP2 (immunoglobulin mu DNA binding protein 2; plus strand). Cytogenetic location: 11q13.3.
Variant type: single nucleotide variant.
Coding change: c.1964A>G on transcript NM_002180.3 (MANE Select); coding-DNA position 1964, A replaced by G.
Protein change: p.Asn655Ser; replaces asparagine 655 with serine.
Molecular consequence: missense variant.
Genome position (GRCh38, 1-based): chr11:68,936,444, A>G. VCF-style: chr11-68936444-A-G. GRCh37 (hg19) VCF-style: chr11-68703912-A-G.
Other names: short protein forms N655S.
Identifiers: ClinVar variation 939410 (VCV000939410.8), dbSNP rs753926352, ClinGen allele CA6153815.